The following is an entry in ClinVar:

NM_018124.4(RFWD3):c.2063A>G (p.His688Arg)

Gene: RFWD3 (ring finger and WD repeat domain 3; minus strand). Cytogenetic location: 16q23.1.
Variant type: single nucleotide variant.
Coding change: c.2063A>G on transcript NM_018124.4 (MANE Select); coding-DNA position 2063, A replaced by G.
Protein change: p.His688Arg; replaces histidine 688 with arginine.
Molecular consequence: missense variant.
Genome position (GRCh38, 1-based): chr16:74,626,461, T>C on the plus strand (A>G on the coding strand, the complement: RFWD3 is on the minus strand). VCF-style: chr16-74626461-T-C. GRCh37 (hg19) VCF-style: chr16-74660359-T-C.
Other names: c.2063A>G, p.His688Arg (NM_001370534.1, NM_001370535.1); c.1886A>G, p.His629Arg (NM_001370536.1); c.1229A>G, p.His410Arg (NM_001370537.1, NM_001370539.1, NM_001370540.1 and 3 more transcripts); short protein forms H688R, H410R, H629R.
Identifiers: ClinVar variation 2191351 (VCV002191351.4), dbSNP rs746955316, ClinGen allele CA8169000.

ClinVar aggregate classification (germline): Uncertain significance (1 of 4 stars; one submission).

gnomAD v4.1: 11 of 1,614,042 alleles (0.00068%); highest among the groups gnomAD compares: African/African-American, 0.0013%; no homozygotes.

Submission:

Labcorp Genetics (formerly Invitae), Labcorp
Classification: Uncertain significance. Last evaluated: 2022-05-27. Review status: criteria provided, single submitter. Criteria: Invitae Variant Classification Sherloc (09022015). Collection method: clinical testing. Allele origin: germline.
Comment: This variant is present in population databases (rs746955316, gnomAD 0.004%). This sequence change replaces histidine, which is basic and polar, with arginine, which is basic and polar, at codon 688 of the RFWD3 protein (p.His688Arg). This variant has not been reported in the literature in individuals affected with RFWD3-related conditions. In summary, the available evidence is currently insufficient to determine the role of this variant in disease. Therefore, it has been classified as a Variant of Uncertain Significance. Algorithms developed to predict the effect of sequence changes on RNA splicing suggest that this variant may create or strengthen a splice site. Algorithms developed to predict the effect of missense changes on protein structure and function (SIFT, PolyPhen-2, Align-GVGD) all suggest that this variant is likely to be tolerated.